The following is an entry in ClinVar:

ClinVar aggregate classification (germline): Likely benign. Review status: criteria provided, multiple submitters, no conflicts (2 of 4 stars). 4 submissions from 4 submitters: Likely benign (3). 1 of the submissions does not count toward it. Last evaluated 2025-12-16.

Conditions:
NACC1-related disorder. Also called: NACC1-related condition.

Allele frequency attached by ClinVar (database versions not stated): TOPMed 0.00012; gnomAD 0.00014 and 0.00017; gnomAD exomes 0.00014 and 0.00022; ExAC 0.00019.
gnomAD v4.1: 239 of 1,556,000 alleles (0.015%); highest among the groups gnomAD compares: Middle Eastern, 0.5%; 2 homozygotes.

Submissions (4):

Labcorp Genetics (formerly Invitae), Labcorp
Classification: Likely benign. Last evaluated: 2025-12-16. Review status: criteria provided, single submitter. Criteria: Invitae Variant Classification Sherloc (09022015). Collection method: clinical testing. Allele origin: germline.

Blueprint Genetics
Classification: Likely benign. Last evaluated: 2024-10-25. Review status: criteria provided, single submitter. Criteria: ACMG Guidelines, 2015. Collection method: clinical testing. Allele origin: germline.

Breakthrough Genomics
Classification: Likely benign. Review status: criteria provided, single submitter. Criteria: ACMG Guidelines, 2015. Collection method: not provided. Allele origin: germline. Inheritance: Autosomal dominant inheritance. Affected: yes.

PreventionGenetics, part of Exact Sciences
Classification: Likely benign for NACC1-related condition. Last evaluated: 2023-12-11. Review status: no assertion criteria provided. Collection method: clinical testing. Allele origin: germline. Not counted in ClinVar's aggregate classification.
Comment: This variant is classified as likely benign based on ACMG/AMP sequence variant interpretation guidelines (Richards et al. 2015 PMID: 25741868, with internal and published modifications).

NM_052876.4(NACC1):c.588C>T (p.Gly196=)

Gene: NACC1 (nucleus accumbens associated 1; plus strand). Cytogenetic location: 19p13.13.
Variant type: single nucleotide variant.
Coding change: c.588C>T on transcript NM_052876.4 (MANE Select); coding-DNA position 588, C replaced by T.
Protein change: p.Gly196=; no amino-acid change (glycine 196 retained).
Molecular consequence: synonymous variant.
Genome position (GRCh38, 1-based): chr19:13,135,795, C>T. VCF-style: chr19-13135795-C-T. GRCh37 (hg19) VCF-style: chr19-13246609-C-T.
Identifiers: ClinVar variation 734573 (VCV000734573.12), dbSNP rs758066919, ClinGen allele CA9238296.